The following is an entry in ClinVar:

ClinVar aggregate classification (germline): Uncertain significance (1 of 4 stars; one submission).

Conditions:
POLD1-related polyposis and colorectal cancer syndrome (CRCS10). Also called: Colorectal cancer 10; COLORECTAL CANCER, SUSCEPTIBILITY TO, ON CHROMOSOME 19q; Colorectal cancer, susceptibility to, 10. Identifiers: Orphanet 220460, MedGen C2675481, MONDO:0012953, OMIM 612591.

Submission:

Labcorp Genetics (formerly Invitae), Labcorp
Classification: Uncertain significance for POLD1-related polyposis and colorectal cancer syndrome. Last evaluated: 2020-10-02. Review status: criteria provided, single submitter. Criteria: Invitae Variant Classification Sherloc (09022015). Collection method: clinical testing. Allele origin: germline.
Comment: This variant, c.930_931delinsTT, is a complex sequence change that results in the deletion of 2 and insertion of 2 amino acids in the POLD1 protein (p.Leu310_Arg311delinsPheCys). The frequency data for this variant in the population databases is not available, as this variant may be reported as separate entries in the ExAC database. This variant has not been reported in the literature in individuals with POLD1-related conditions. Experimental studies and prediction algorithms are not available or were not evaluated, and the functional significance of this variant is currently unknown. In summary, the available evidence is currently insufficient to determine the role of this variant in disease. Therefore, it has been classified as a Variant of Uncertain Significance.

NM_002691.4(POLD1):c.930_931delinsTT (p.Leu310_Arg311delinsPheCys)

Gene: POLD1 (DNA polymerase delta 1, catalytic subunit; plus strand). Cytogenetic location: 19q13.33.
Variant type: Indel.
Coding change: c.930_931delinsTT on transcript NM_002691.4 (MANE Select); coding-DNA positions 930 to 931, GC replaced by TT.
Protein change: p.Leu310_Arg311delinsPheCys.
Molecular consequence: missense variant. On other transcripts: non-coding transcript variant (1).
Genome position (GRCh38, 1-based): chr19:50,402,701-50,402,702, GC replaced by TT. VCF-style: chr19-50402701-GC-TT. GRCh37 (hg19) VCF-style: chr19-50905958-GC-TT.
Other names: c.930_931delinsTT, p.Leu310_Arg311delinsPheCys (NM_001256849.1, NM_001308632.1).
Identifiers: ClinVar variation 999220 (VCV000999220.8), dbSNP rs2038703530, ClinGen allele CA2340883003.